The following is an entry in ClinVar:

ClinVar aggregate classification (germline): Conflicting classifications of pathogenicity. Review status: criteria provided, conflicting classifications (1 of 4 stars). 3 submissions from 3 submitters: Uncertain significance (2); Likely benign (1). Last evaluated 2026-09-01.

Conditions:
Inborn genetic diseases. Identifiers: MedGen C0950123, MeSH D030342.

Allele frequency attached by ClinVar (database versions not stated): ExAC 0.00009; gnomAD 0.00009.
gnomAD v4.1: 143 of 1,612,974 alleles (0.0089%); highest among the groups gnomAD compares: Non-Finnish European, 0.012%; no homozygotes.

Submissions (3):

CeGaT Center for Human Genetics Tuebingen
Classification: Likely benign. Last evaluated: 2026-09-01. Review status: criteria provided, single submitter. Criteria: CeGaT Center For Human Genetics Tuebingen Variant Classification Criteria Version 2. Collection method: clinical testing. Allele origin: germline. Affected: yes. Observed: 3 variant alleles.
Comment: RP1L1: BP4

Ambry Genetics
Classification: Uncertain significance for Inborn genetic diseases. Last evaluated: 2025-05-28. Review status: criteria provided, single submitter. Criteria: Ambry Variant Classification Scheme 2023. Collection method: clinical testing. Allele origin: germline.

Blueprint Genetics
Classification: Uncertain significance. Last evaluated: 2024-08-14. Review status: criteria provided, single submitter. Criteria: ACMG Guidelines, 2015. Collection method: clinical testing. Allele origin: germline.

NM_178857.6(RP1L1):c.6046G>T (p.Ala2016Ser)

Gene: RP1L1 (RP1 like 1). Cytogenetic location: 8p23.1.
Variant type: single nucleotide variant.
Coding change: c.6046G>T on transcript NM_178857.6 (MANE Select); coding-DNA position 6046, G replaced by T.
Protein change: p.Ala2016Ser; replaces alanine 2016 with serine.
Molecular consequence: missense variant.
Genome position (GRCh38, 1-based): chr8:10,608,052, C>A on the plus strand (G>T on the coding strand, the complement: RP1L1 is on the minus strand). VCF-style: chr8-10608052-C-A. GRCh37 (hg19) VCF-style: chr8-10465562-C-A.
Other names: short protein forms A2016S.
Identifiers: ClinVar variation 2398809 (VCV002398809.27), dbSNP rs200140892, ClinGen allele CA4623460.